The following is an entry in ClinVar:

NM_031942.5(CDCA7):c.1110C>T (p.Gly370=)

Gene: CDCA7 (cell division cycle associated 7; plus strand). Cytogenetic location: 2q31.1.
Variant type: single nucleotide variant.
Coding change: c.1110C>T on transcript NM_031942.5 (MANE Select); coding-DNA position 1110, C replaced by T.
Protein change: p.Gly370=; no amino-acid change (glycine 370 retained).
Molecular consequence: synonymous variant.
Genome position (GRCh38, 1-based): chr2:173,366,357, C>T. VCF-style: chr2-173366357-C-T. GRCh37 (hg19) VCF-style: chr2-174231085-C-T.
Other names: c.873C>T, p.Gly291= (NM_145810.3).
Identifiers: ClinVar variation 784578 (VCV000784578.13), dbSNP rs145586650, ClinGen allele CA1971441.

ClinVar aggregate classification (germline): Benign/Likely benign. Review status: criteria provided, multiple submitters, no conflicts (2 of 4 stars). 3 submissions from 3 submitters: Benign (1); Likely benign (1). 1 of the submissions does not count toward it. Last evaluated 2026-01-26.

Conditions:
CDCA7-related disorder. Also called: CDCA7-related condition.

Allele frequency attached by ClinVar (database versions not stated): gnomAD exomes 0.00027 and 0.00044; ExAC 0.00060; ESP Exome Variant Server 0.00115; gnomAD 0.00119 and 0.00128; TOPMed 0.00133; 1000 Genomes Project 0.00220; 1000 Genomes Project 30x 0.00265.
gnomAD v4.1: 595 of 1,613,886 alleles (0.037%); highest among the groups gnomAD compares: African/African-American, 0.33%; no homozygotes.

Submissions (3):

Labcorp Genetics (formerly Invitae), Labcorp
Classification: Benign. Last evaluated: 2026-01-26. Review status: criteria provided, single submitter. Criteria: Invitae Variant Classification Sherloc (09022015). Collection method: clinical testing. Allele origin: germline.

Blueprint Genetics
Classification: Likely benign. Last evaluated: 2024-10-25. Review status: criteria provided, single submitter. Criteria: ACMG Guidelines, 2015. Collection method: clinical testing. Allele origin: germline.

PreventionGenetics, part of Exact Sciences
Classification: Likely benign for CDCA7-related condition. Last evaluated: 2024-03-12. Review status: no assertion criteria provided. Collection method: clinical testing. Allele origin: germline. Not counted in ClinVar's aggregate classification.
Comment: This variant is classified as likely benign based on ACMG/AMP sequence variant interpretation guidelines (Richards et al. 2015 PMID: 25741868, with internal and published modifications).